The following is an entry in ClinVar:

ClinVar aggregate classification (germline): Uncertain significance (1 of 4 stars; one submission).

Allele frequency attached by ClinVar (database versions not stated): TOPMed below 0.00001; gnomAD 0.00001; ExAC 0.00002.
gnomAD v4.1: 13 of 1,603,926 alleles (0.00081%); highest among the groups gnomAD compares: Middle Eastern, 0.033%; no homozygotes.

Submission:

Labcorp Genetics (formerly Invitae), Labcorp
Classification: Uncertain significance. Last evaluated: 2022-02-18. Review status: criteria provided, single submitter. Criteria: Invitae Variant Classification Sherloc (09022015). Collection method: clinical testing. Allele origin: germline.
Comment: Algorithms developed to predict the effect of missense changes on protein structure and function (SIFT, PolyPhen-2, Align-GVGD) all suggest that this variant is likely to be tolerated. In summary, the available evidence is currently insufficient to determine the role of this variant in disease. Therefore, it has been classified as a Variant of Uncertain Significance. This variant has not been reported in the literature in individuals affected with POLR3A-related conditions. This variant is present in population databases (rs746010379, gnomAD 0.009%). This sequence change replaces proline, which is neutral and non-polar, with leucine, which is neutral and non-polar, at codon 933 of the POLR3A protein (p.Pro933Leu).

NM_007055.4(POLR3A):c.2798C>T (p.Pro933Leu)

Gene: POLR3A (RNA polymerase III subunit A; minus strand). Cytogenetic location: 10q22.3.
Variant type: single nucleotide variant.
Coding change: c.2798C>T on transcript NM_007055.4 (MANE Select); coding-DNA position 2798, C replaced by T.
Protein change: p.Pro933Leu; replaces proline 933 with leucine.
Molecular consequence: missense variant.
Genome position (GRCh38, 1-based): chr10:77,991,157, G>A on the plus strand (C>T on the coding strand, the complement: POLR3A is on the minus strand). VCF-style: chr10-77991157-G-A. GRCh37 (hg19) VCF-style: chr10-79750915-G-A.
Other names: short protein forms P933L.
Identifiers: ClinVar variation 1925071 (VCV001925071.5), dbSNP rs746010379, ClinGen allele CA5571019.
Genomic context (GRCh38, chr10:77,991,157, plus strand): 5'-ATGATGGACTCTGTGGTCAGGATCAGCTCGTTTTTGCTGAGAGCAGGCTCACTGGGACAC[G>A]GGAAGACTGCCTTGAGTATTAAAAGAAAATTGCATTATGTGTGGGTGCCACAGAGAGCAG-3'
Protein context (NP_008986.2, residues 923-943): RVLDNIKAVF[Pro933Leu]CPSEPALSKN